The following is an entry in ClinVar:

NM_001005498.4(RHBDF2):c.383C>T (p.Ser128Leu)

Gene: RHBDF2 (rhomboid 5 homolog 2; minus strand). Cytogenetic location: 17q25.1.
Variant type: single nucleotide variant.
Coding change: c.383C>T on transcript NM_001005498.4 (MANE Select); coding-DNA position 383, C replaced by T.
Protein change: p.Ser128Leu; replaces serine 128 with leucine.
Molecular consequence: missense variant. On other transcripts: non-coding transcript variant (3).
Genome position (GRCh38, 1-based): chr17:76,479,167, G>A on the plus strand (C>T on the coding strand, the complement: RHBDF2 is on the minus strand). VCF-style: chr17-76479167-G-A. GRCh37 (hg19) VCF-style: chr17-74475249-G-A.
Other names: c.383C>T, p.Ser128Leu (NM_001376228.1, NM_001376229.1, NM_001376230.1); c.470C>T, p.Ser157Leu (NM_024599.5); short protein forms S128L, S157L.
Identifiers: ClinVar variation 4778107 (VCV004778107.1).

ClinVar aggregate classification (germline): Uncertain significance (1 of 4 stars; one submission).

gnomAD v4.1: 9 of 1,612,682 alleles (0.00056%); highest among the groups gnomAD compares: East Asian, 0.0022%; no homozygotes.

Submission:

Labcorp Genetics (formerly Invitae), Labcorp
Classification: Uncertain significance. Last evaluated: 2026-01-21. Review status: criteria provided, single submitter. Criteria: Invitae Variant Classification Sherloc (09022015). Collection method: clinical testing. Allele origin: germline.
Comment: This sequence change replaces serine, which is neutral and polar, with leucine, which is neutral and non-polar, at codon 157 of the RHBDF2 protein (p.Ser157Leu). This variant is present in population databases (no rsID available, gnomAD 0.02%). This variant has not been reported in the literature in individuals affected with RHBDF2-related conditions. An algorithm developed to predict the effect of missense changes on protein structure and function (PolyPhen-2) suggests that this variant is likely to be tolerated. In summary, the available evidence is currently insufficient to determine the role of this variant in disease. Therefore, it has been classified as a Variant of Uncertain Significance.